The following is an entry in ClinVar:

ClinVar aggregate classification (germline): Conflicting classifications of pathogenicity. Review status: criteria provided, conflicting classifications (1 of 4 stars). 3 submissions from 3 submitters: Uncertain significance (2); Likely benign (1). Last evaluated 2023-03-23.

Conditions:
Hereditary cancer-predisposing syndrome. Also called: Neoplastic Syndromes, Hereditary; Tumor predisposition; Hereditary Cancer Syndrome; Hereditary neoplastic syndrome. Identifiers: Orphanet 140162, MedGen C0027672, MeSH D009386, MONDO:0015356.
Hereditary breast ovarian cancer syndrome. Also called: Hereditary breast and ovarian cancer; Hereditary breast and/or ovarian cancer syndrome; BRCA1- and BRCA2-Associated Hereditary Breast and Ovarian Cancer; Hereditary breast and ovarian cancer syndrome (HBOC); Hereditary breast and ovarian cancer syndrome; Breast and ovarian cancer. Identifiers: Orphanet 145, MedGen C0677776, MeSH D061325, MONDO:0003582. Disease mechanism: loss of function.

gnomAD v4.1: 1 of 1,587,954 alleles (0.000063%); highest among the groups gnomAD compares: East Asian, 0.0022%; no homozygotes.

Submissions (3):

University of Washington Department of Laboratory Medicine, University of Washington
Classification: Likely benign for Hereditary cancer-predisposing syndrome. Last evaluated: 2023-03-23. Review status: criteria provided, single submitter. Criteria: Dines et al. (Genet Med. 2020). Collection method: curation. Allele origin: germline.
Comment: Missense variant in a coldspot region where missense variants are very unlikely to be pathogenic (PMID:31911673).

BRCA2 exon 11 coldspot. Reclassification based on statistical prior probability.

Labcorp Genetics (formerly Invitae), Labcorp
Classification: Uncertain significance for Hereditary breast ovarian cancer syndrome. Last evaluated: 2022-09-03. Review status: criteria provided, single submitter. Criteria: Invitae Variant Classification Sherloc (09022015). Collection method: clinical testing. Allele origin: germline.
Comment: In summary, the available evidence is currently insufficient to determine the role of this variant in disease. Therefore, it has been classified as a Variant of Uncertain Significance. Advanced modeling of protein sequence and biophysical properties (such as structural, functional, and spatial information, amino acid conservation, physicochemical variation, residue mobility, and thermodynamic stability) performed at Invitae indicates that this missense variant is not expected to disrupt BRCA2 protein function. ClinVar contains an entry for this variant (Variation ID: 187468). This variant has not been reported in the literature in individuals affected with BRCA2-related conditions. This variant is not present in population databases (gnomAD no frequency). This sequence change replaces proline, which is neutral and non-polar, with serine, which is neutral and polar, at codon 877 of the BRCA2 protein (p.Pro877Ser).

Ambry Genetics
Classification: Uncertain significance for Hereditary cancer-predisposing syndrome. Last evaluated: 2017-02-13. Review status: criteria provided, single submitter. Criteria: Ambry Variant Classification Scheme 2023. Collection method: clinical testing. Allele origin: germline.
Comment: The p.P877S variant (also known as c.2629C>T), located in coding exon 10 of the BRCA2 gene, results from a C to T substitution at nucleotide position 2629. The proline at codon 877 is replaced by serine, an amino acid with similar properties. This amino acid position is not well conserved in available vertebrate species, and serine (S) is the reference amino acid in several other species. In addition, this alteration is predicted to be tolerated by in silico analysis. Since supporting evidence is limited at this time, the clinical significance of this alteration remains unclear.

NM_000059.4(BRCA2):c.2629C>T (p.Pro877Ser)

Gene: BRCA2 (BRCA2 DNA repair associated; plus strand). Cytogenetic location: 13q13.1.
Variant type: single nucleotide variant.
Coding change: c.2629C>T on transcript NM_000059.4 (MANE Select); coding-DNA position 2629, C replaced by T.
Protein change: p.Pro877Ser; replaces proline 877 with serine.
Molecular consequence: missense variant.
Genome position (GRCh38, 1-based): chr13:32,336,984, C>T. VCF-style: chr13-32336984-C-T. GRCh37 (hg19) VCF-style: chr13-32911121-C-T.
Other names: short protein forms P877S.
Identifiers: ClinVar variation 187468 (VCV000187468.12), dbSNP rs80358524, ClinGen allele CA015901.